The following is an entry in ClinVar:

NM_052876.4(NACC1):c.677C>T (p.Pro226Leu)

Gene: NACC1 (nucleus accumbens associated 1; plus strand). Cytogenetic location: 19p13.13.
Variant type: single nucleotide variant.
Coding change: c.677C>T on transcript NM_052876.4 (MANE Select); coding-DNA position 677, C replaced by T.
Protein change: p.Pro226Leu; replaces proline 226 with leucine.
Molecular consequence: missense variant.
Genome position (GRCh38, 1-based): chr19:13,135,884, C>T. VCF-style: chr19-13135884-C-T. GRCh37 (hg19) VCF-style: chr19-13246698-C-T.
Other names: c.677C>T (NM_052876.2); short protein forms P226L.
Identifiers: ClinVar variation 2649371 (VCV002649371.26), dbSNP rs1333929944, ClinGen allele CA404325886.

ClinVar aggregate classification (germline): Uncertain significance. Review status: criteria provided, multiple submitters, no conflicts (2 of 4 stars). 3 submissions from 3 submitters: Uncertain significance (3). Last evaluated 2025-11-26.

Conditions:
Inborn genetic diseases. Identifiers: MedGen C0950123, MeSH D030342.

Allele frequency attached by ClinVar (database versions not stated): TOPMed below 0.00001; gnomAD exomes 0.00002.
gnomAD v4.1: 26 of 1,558,108 alleles (0.0017%); highest among the groups gnomAD compares: East Asian, 0.0024%; no homozygotes.

Submissions (3):

Ambry Genetics
Classification: Uncertain significance for Inborn genetic diseases. Last evaluated: 2025-11-26. Review status: criteria provided, single submitter. Criteria: Ambry Variant Classification Scheme 2023. Collection method: clinical testing. Allele origin: germline.

Labcorp Genetics (formerly Invitae), Labcorp
Classification: Uncertain significance. Last evaluated: 2024-11-21. Review status: criteria provided, single submitter. Criteria: Invitae Variant Classification Sherloc (09022015). Collection method: clinical testing. Allele origin: germline.
Comment: This sequence change replaces proline, which is neutral and non-polar, with leucine, which is neutral and non-polar, at codon 226 of the NACC1 protein (p.Pro226Leu). The frequency data for this variant in the population databases is considered unreliable, as metrics indicate poor data quality at this position in the gnomAD database. This variant has not been reported in the literature in individuals affected with NACC1-related conditions. ClinVar contains an entry for this variant (Variation ID: 2649371). An algorithm developed to predict the effect of missense changes on protein structure and function outputs the following: PolyPhen-2: "Benign". The leucine amino acid residue is found in multiple mammalian species, which suggests that this missense change does not adversely affect protein function. In summary, the available evidence is currently insufficient to determine the role of this variant in disease. Therefore, it has been classified as a Variant of Uncertain Significance.

CeGaT Center for Human Genetics Tuebingen
Classification: Uncertain significance. Last evaluated: 2022-11-01. Review status: criteria provided, single submitter. Criteria: CeGaT Center For Human Genetics Tuebingen Variant Classification Criteria Version 2. Collection method: clinical testing. Allele origin: germline. Affected: yes. Observed: 1 variant allele.
Comment: NACC1: PP2